The following is an entry in ClinVar:

NM_003114.5(SPAG1):c.2265A>T (p.Lys755Asn)

Gene: SPAG1 (sperm associated antigen 1; plus strand). Cytogenetic location: 8q22.2.
Variant type: single nucleotide variant.
Coding change: c.2265A>T on transcript NM_003114.5 (MANE Select); coding-DNA position 2265, A replaced by T.
Protein change: p.Lys755Asn; replaces lysine 755 with asparagine.
Molecular consequence: missense variant.
Genome position (GRCh38, 1-based): chr8:100,239,389, A>T. VCF-style: chr8-100239389-A-T. GRCh37 (hg19) VCF-style: chr8-101251617-A-T.
Other names: c.2265A>T, p.Lys755Asn (NM_001374321.1, NM_172218.3); short protein forms K755N.
Identifiers: ClinVar variation 410995 (VCV000410995.23), dbSNP rs148883126, ClinGen allele CA4827704.

ClinVar aggregate classification (germline): Conflicting classifications of pathogenicity. Review status: criteria provided, conflicting classifications (1 of 4 stars). 6 submissions from 6 submitters: Uncertain significance (1); Likely benign (4). 1 of the submissions does not count toward it. Last evaluated 2026-01-19.

Conditions:
SPAG1-related disorder. Also called: SPAG1-related condition.
Primary ciliary dyskinesia 28. Also called: CILIARY DYSKINESIA, PRIMARY, 28, WITH OR WITHOUT SITUS INVERSUS. Identifiers: Orphanet 244, MedGen C3809706, MONDO:0014216, OMIM 615505.
Primary ciliary dyskinesia. Also called: Ciliary dyskinesia. Identifiers: Orphanet 244, MedGen C0008780, MONDO:0016575, HP:0012265.

Allele frequency attached by ClinVar (database versions not stated): TOPMed 0.00089; ExAC 0.00105; gnomAD exomes 0.00105 and 0.00134; ESP Exome Variant Server 0.00131; gnomAD 0.00134 and 0.00138.
gnomAD v4.1: 2,103 of 1,603,100 alleles (0.13%); highest among the groups gnomAD compares: Non-Finnish European, 0.16%; 2 homozygotes.

Submissions (6):

Labcorp Genetics (formerly Invitae), Labcorp
Classification: Likely benign for Primary ciliary dyskinesia 28. Last evaluated: 2026-01-19. Review status: criteria provided, single submitter. Criteria: Invitae Variant Classification Sherloc (09022015). Collection method: clinical testing. Allele origin: germline.

CeGaT Center for Human Genetics Tuebingen
Classification: Likely benign. Last evaluated: 2026-01-01. Review status: criteria provided, single submitter. Criteria: CeGaT Center For Human Genetics Tuebingen Variant Classification Criteria Version 2. Collection method: clinical testing. Allele origin: germline. Affected: yes. Observed: 1 variant allele.
Comment: SPAG1: BP4

Blueprint Genetics
Classification: Likely benign. Last evaluated: 2024-11-27. Review status: criteria provided, single submitter. Criteria: ACMG Guidelines, 2015. Collection method: clinical testing. Allele origin: germline.

Ambry Genetics
Classification: Likely benign for Primary ciliary dyskinesia. Last evaluated: 2020-04-27. Review status: criteria provided, single submitter. Criteria: Ambry Variant Classification Scheme 2023. Collection method: clinical testing. Allele origin: germline.

UNC Molecular Genetics  Laboratory, University of North Carolina at Chapel Hill
Classification: Uncertain significance for Primary ciliary dyskinesia. Last evaluated: 2019-04-18. Review status: criteria provided, single submitter. Criteria: ACMG Guidelines, 2015. Collection method: clinical testing. Allele origin: germline. Affected: no. Observed: 1 heterozygote.

PreventionGenetics, part of Exact Sciences
Classification: Likely benign for SPAG1-related condition. Last evaluated: 2021-08-19. Review status: no assertion criteria provided. Collection method: clinical testing. Allele origin: germline. Not counted in ClinVar's aggregate classification.
Comment: This variant is classified as likely benign based on ACMG/AMP sequence variant interpretation guidelines (Richards et al. 2015 PMID: 25741868, with internal and published modifications).